The following is an entry in ClinVar:

NM_001291415.2(KDM6A):c.-10C>T

Gene: KDM6A (lysine demethylase 6A; plus strand). Cytogenetic location: Xp11.3.
Variant type: single nucleotide variant.
Coding change: c.-10C>T on transcript NM_001291415.2 (MANE Select); 10 bases upstream of the start codon, C replaced by T.
Molecular consequence: 5 prime UTR variant. On other transcripts: non-coding transcript variant (1).
Genome position (GRCh38, 1-based): chrX:44,873,542, C>T. VCF-style: chrX-44873542-C-T. GRCh37 (hg19) VCF-style: chrX-44732788-C-T.
Other names: c.-10C>T (NM_001419809.1, NM_001419810.1, NM_001419811.1 and 9 more transcripts); c.-642C>T (NM_001291421.2).
Identifiers: ClinVar variation 3339944 (VCV003339944.1).
Genomic context (GRCh38, chrX:44,873,542, plus strand): 5'-GGGGGCGTCACTGCGGGCCCCGGTCCGAGGGGGGGTGTCGGCGTTGGAGTTGTGAATTCG[C>T]TGCGTTTCCATGAAATCCTGCGGAGTGTCGCTCGCTACCGCCGCCGCTGCCGCCGCCGCT-3'

ClinVar aggregate classification (germline): Uncertain significance (1 of 4 stars; one submission).

Submission:

Women's Health and Genetics/Laboratory Corporation of America, LabCorp
Classification: Uncertain significance. Last evaluated: 2024-06-20. Review status: criteria provided, single submitter. Criteria: LabCorp Variant Classification Summary - May 2015. Collection method: clinical testing. Allele origin: germline.
Comment: Variant summary: KDM6A c.-10C>T is located in the untranslated mRNA region upstream of the initiation codon. The variant was absent in 176444 control chromosomes (gnomAD). The available data on variant occurrences in the general population are insufficient to allow any conclusion about variant significance. To our knowledge, no occurrence of c.-10C>T in individuals affected with Kabuki Syndrome 2 and no experimental evidence demonstrating its impact on protein function have been reported. No submitters have cited clinical-significance assessments for this variant to ClinVar. Based on the evidence outlined above, the variant was classified as uncertain significance.